The following is an entry in ClinVar:

NM_006734.4(HIVEP2):c.3957C>G (p.Ala1319=)

Gene: HIVEP2 (HIVEP zinc finger 2; minus strand). Cytogenetic location: 6q24.2.
Variant type: single nucleotide variant.
Coding change: c.3957C>G on transcript NM_006734.4 (MANE Select); coding-DNA position 3957, C replaced by G.
Protein change: p.Ala1319=; no amino-acid change (alanine 1319 retained).
Molecular consequence: synonymous variant.
Genome position (GRCh38, 1-based): chr6:142,770,782, G>C on the plus strand (C>G on the coding strand, the complement: HIVEP2 is on the minus strand). VCF-style: chr6-142770782-G-C. GRCh37 (hg19) VCF-style: chr6-143091919-G-C.
Identifiers: ClinVar variation 1336661 (VCV001336661.15), dbSNP rs190613471, ClinGen allele CA4028154.

ClinVar aggregate classification (germline): Benign/Likely benign. Review status: criteria provided, multiple submitters, no conflicts (2 of 4 stars). 5 submissions from 5 submitters: Benign (1); Likely benign (3). 1 of the submissions does not count toward it. Last evaluated 2026-03-01.

Conditions:
HIVEP2-related disorder. Also called: HIVEP2-related condition.

Allele frequency attached by ClinVar (database versions not stated): gnomAD exomes 0.00040; ExAC 0.00046; 1000 Genomes Project 30x 0.00125; 1000 Genomes Project 0.00160; TOPMed 0.00172; ESP Exome Variant Server 0.00191.
gnomAD v4.1: 446 of 1,614,192 alleles (0.028%); highest among the groups gnomAD compares: African/African-American, 0.5%; 3 homozygotes.

Submissions (5):

CeGaT Center for Human Genetics Tuebingen
Classification: Likely benign. Last evaluated: 2026-03-01. Review status: criteria provided, single submitter. Criteria: CeGaT Center For Human Genetics Tuebingen Variant Classification Criteria Version 2. Collection method: clinical testing. Allele origin: germline. Affected: yes. Observed: 1 variant allele.
Comment: HIVEP2: BP4, BP7

Labcorp Genetics (formerly Invitae), Labcorp
Classification: Benign. Last evaluated: 2025-12-17. Review status: criteria provided, single submitter. Criteria: Invitae Variant Classification Sherloc (09022015). Collection method: clinical testing. Allele origin: germline.

Blueprint Genetics
Classification: Likely benign. Last evaluated: 2024-09-11. Review status: criteria provided, single submitter. Criteria: ACMG Guidelines, 2015. Collection method: clinical testing. Allele origin: germline.

Genetic Services Laboratory, University of Chicago
Classification: Likely benign. Last evaluated: 2020-05-28. Review status: criteria provided, single submitter. Criteria: ACMG Guidelines, 2015. Collection method: clinical testing. Allele origin: germline. Affected: no.

PreventionGenetics, part of Exact Sciences
Classification: Likely benign for HIVEP2-related condition. Last evaluated: 2024-01-02. Review status: no assertion criteria provided. Collection method: clinical testing. Allele origin: germline. Not counted in ClinVar's aggregate classification.
Comment: This variant is classified as likely benign based on ACMG/AMP sequence variant interpretation guidelines (Richards et al. 2015 PMID: 25741868, with internal and published modifications).